The following is an entry in ClinVar:

ClinVar aggregate classification (germline): Uncertain significance. Review status: criteria provided, multiple submitters, no conflicts (2 of 4 stars). 2 submissions from 2 submitters: Uncertain significance (2). Last evaluated 2024-08-21.

Conditions:
Cornelia de Lange syndrome 4 (CDLS4). Also called: CORNELIA DE LANGE SYNDROME 4 WITH OR WITHOUT MIDLINE BRAIN DEFECTS; RAD21-Related Cornelia de Lange Syndrome. Identifiers: Orphanet 199, MedGen C3553517, MONDO:0013864, OMIM 614701.
Inborn genetic diseases. Identifiers: MedGen C0950123, MeSH D030342.

Allele frequency attached by ClinVar (database versions not stated): gnomAD exomes below 0.00001 and 0.00001; TOPMed below 0.00001; ExAC 0.00001; ESP Exome Variant Server 0.00008.
gnomAD v4.1: 7 of 1,602,138 alleles (0.00044%); highest among the groups gnomAD compares: Non-Finnish European, 0.00051%; no homozygotes.

Submissions (2):

Ambry Genetics
Classification: Uncertain significance for Inborn genetic diseases. Last evaluated: 2024-08-21. Review status: criteria provided, single submitter. Criteria: Ambry Variant Classification Scheme 2023. Collection method: clinical testing. Allele origin: germline.

Labcorp Genetics (formerly Invitae), Labcorp
Classification: Uncertain significance for Cornelia de Lange syndrome 4. Last evaluated: 2019-11-28. Review status: criteria provided, single submitter. Criteria: Invitae Variant Classification Sherloc (09022015). Collection method: clinical testing. Allele origin: germline.
Comment: This sequence change replaces valine with isoleucine at codon 397 of the RAD21 protein (p.Val397Ile). The valine residue is highly conserved and there is a small physicochemical difference between valine and isoleucine. This variant is present in population databases (rs371948457, ExAC 0.001%). In summary, the available evidence is currently insufficient to determine the role of this variant in disease. Therefore, it has been classified as a Variant of Uncertain Significance. Algorithms developed to predict the effect of missense changes on protein structure and function are either unavailable or do not agree on the potential impact of this missense change (SIFT: "Deleterious"; PolyPhen-2: "Benign"; Align-GVGD: "Class C0"). This variant has not been reported in the literature in individuals with RAD21-related conditions.

NM_006265.3(RAD21):c.1189G>A (p.Val397Ile)

Gene: RAD21 (RAD21 cohesin complex component; minus strand). Cytogenetic location: 8q24.11.
Variant type: single nucleotide variant.
Coding change: c.1189G>A on transcript NM_006265.3 (MANE Select); coding-DNA position 1189, G replaced by A.
Protein change: p.Val397Ile; replaces valine 397 with isoleucine.
Molecular consequence: missense variant.
Genome position (GRCh38, 1-based): chr8:116,852,681, C>T on the plus strand (G>A on the coding strand, the complement: RAD21 is on the minus strand). VCF-style: chr8-116852681-C-T. GRCh37 (hg19) VCF-style: chr8-117864920-C-T.
Other names: short protein forms V397I.
Identifiers: ClinVar variation 839873 (VCV000839873.11), dbSNP rs371948457, ClinGen allele CA4852878.